The following is an entry in ClinVar:

ClinVar aggregate classification (germline): Uncertain significance (1 of 4 stars; one submission).

Conditions:
Inborn genetic diseases. Identifiers: MedGen C0950123, MeSH D030342.

Allele frequency attached by ClinVar (database versions not stated): gnomAD exomes below 0.00001.
gnomAD v4.1: 1 of 1,612,314 alleles (0.000062%); highest among the groups gnomAD compares: South Asian, 0.0011%; no homozygotes.

Submission:

Ambry Genetics
Classification: Uncertain significance for Inborn genetic diseases. Last evaluated: 2023-03-20. Review status: criteria provided, single submitter. Criteria: Ambry Variant Classification Scheme 2023. Collection method: clinical testing. Allele origin: germline.
Comment: The p.M257T variant (also known as c.770T>C), located in coding exon 7 of the LRRK2 gene, results from a T to C substitution at nucleotide position 770. The methionine at codon 257 is replaced by threonine, an amino acid with similar properties. This amino acid position is conserved. In addition, this alteration is predicted to be deleterious by in silico analysis. Since supporting evidence is limited at this time, the clinical significance of this alteration remains unclear.

NM_198578.4(LRRK2):c.770T>C (p.Met257Thr)

Gene: LRRK2 (leucine rich repeat kinase 2; plus strand). Cytogenetic location: 12q12.
Variant type: single nucleotide variant.
Coding change: c.770T>C on transcript NM_198578.4 (MANE Select); coding-DNA position 770, T replaced by C.
Protein change: p.Met257Thr; replaces methionine 257 with threonine.
Molecular consequence: missense variant.
Genome position (GRCh38, 1-based): chr12:40,243,613, T>C. VCF-style: chr12-40243613-T-C. GRCh37 (hg19) VCF-style: chr12-40637415-T-C.
Other names: short protein forms M257T.
Identifiers: ClinVar variation 2567326 (VCV002567326.2), dbSNP rs2499455792, ClinGen allele CA384405883.